The following is an entry in ClinVar:

NM_020937.4(FANCM):c.5906A>G (p.Lys1969Arg)

Gene: FANCM (FA complementation group M; plus strand). Cytogenetic location: 14q21.2.
Variant type: single nucleotide variant.
Coding change: c.5906A>G on transcript NM_020937.4 (MANE Select); coding-DNA position 5906, A replaced by G.
Protein change: p.Lys1969Arg; replaces lysine 1969 with arginine.
Molecular consequence: missense variant.
Genome position (GRCh38, 1-based): chr14:45,198,833, A>G. VCF-style: chr14-45198833-A-G. GRCh37 (hg19) VCF-style: chr14-45668036-A-G.
Other names: c.5828A>G, p.Lys1943Arg (NM_001308133.2); short protein forms K1969R, K1943R.
Identifiers: ClinVar variation 4022791 (VCV004022791.1).

ClinVar aggregate classification (germline): Uncertain significance (1 of 4 stars; one submission).

Conditions:
Inborn genetic diseases. Identifiers: MedGen C0950123, MeSH D030342.

gnomAD v4.1: 3 of 1,613,470 alleles (0.00019%); highest among the groups gnomAD compares: Non-Finnish European, 0.00025%; no homozygotes.

Submission:

Ambry Genetics
Classification: Uncertain significance for Inborn genetic diseases. Last evaluated: 2025-05-17. Review status: criteria provided, single submitter. Criteria: Ambry Variant Classification Scheme 2023. Collection method: clinical testing. Allele origin: germline.
Comment: The p.K1969R variant (also known as c.5906A>G), located in coding exon 22 of the FANCM gene, results from an A to G substitution at nucleotide position 5906. The lysine at codon 1969 is replaced by arginine, an amino acid with highly similar properties. This amino acid position is conserved. In addition, this alteration is predicted to be tolerated by in silico analysis. Based on the available evidence, the clinical significance of this variant remains unclear.